The following is an entry in ClinVar:

ClinVar aggregate classification (germline): Conflicting classifications of pathogenicity. Review status: criteria provided, conflicting classifications (1 of 4 stars). 3 submissions from 3 submitters: Uncertain significance (2); Likely benign (1). Last evaluated 2025-09-22.

Conditions:
DICER1-related tumor predisposition. Also called: DICER1 syndrome; DICER1-related pleuropulmonary blastoma cancer predisposition syndrome. Identifiers: Orphanet 284343, MedGen C3839822, MONDO:0100216.
Hereditary cancer-predisposing syndrome. Also called: Neoplastic Syndromes, Hereditary; Hereditary Cancer Syndrome; Hereditary neoplastic syndrome; Tumor predisposition. Identifiers: Orphanet 140162, MedGen C0027672, MeSH D009386, MONDO:0015356.

Allele frequency attached by ClinVar (database versions not stated): TOPMed 0.00001.

Submissions (3):

Labcorp Genetics (formerly Invitae), Labcorp
Classification: Uncertain significance for DICER1-related tumor predisposition. Last evaluated: 2025-09-22. Review status: criteria provided, single submitter. Criteria: Invitae Variant Classification Sherloc (09022015). Collection method: clinical testing. Allele origin: germline.
Comment: This sequence change replaces glycine, which is neutral and non-polar, with serine, which is neutral and polar, at codon 1162 of the DICER1 protein (p.Gly1162Ser). This variant is not present in population databases (gnomAD no frequency). This variant has not been reported in the literature in individuals affected with DICER1-related conditions. ClinVar contains an entry for this variant (Variation ID: 643845). Invitae Evidence Modeling of protein sequence and biophysical properties (such as structural, functional, and spatial information, amino acid conservation, physicochemical variation, residue mobility, and thermodynamic stability) indicates that this missense variant is not expected to disrupt DICER1 protein function with a negative predictive value of 95%. RNA analysis performed to evaluate the impact of this missense change on mRNA splicing indicates it does not significantly alter splicing (internal data). In summary, the available evidence is currently insufficient to determine the role of this variant in disease. Therefore, it has been classified as a Variant of Uncertain Significance.

Ambry Genetics
Classification: Likely benign for Hereditary cancer-predisposing syndrome. Last evaluated: 2024-03-26. Review status: criteria provided, single submitter. Criteria: Ambry Variant Classification Scheme 2023. Collection method: clinical testing. Allele origin: germline.

GeneDx
Classification: Uncertain significance. Last evaluated: 2022-04-27. Review status: criteria provided, single submitter. Criteria: GeneDx Variant Classification Process June 2021. Collection method: clinical testing. Allele origin: germline. Affected: yes.
Comment: Not observed at significant frequency in large population cohorts (gnomAD); In silico analysis supports that this missense variant does not alter protein structure/function; Has not been previously published as pathogenic or benign to our knowledge

NM_177438.3(DICER1):c.3484G>A (p.Gly1162Ser)

Gene: DICER1 (dicer 1, ribonuclease III; minus strand). Cytogenetic location: 14q32.13.
Variant type: single nucleotide variant.
Coding change: c.3484G>A on transcript NM_177438.3 (MANE Select); coding-DNA position 3484, G replaced by A.
Protein change: p.Gly1162Ser; replaces glycine 1162 with serine.
Molecular consequence: missense variant.
Genome position (GRCh38, 1-based): chr14:95,103,912, C>T on the plus strand (G>A on the coding strand, the complement: DICER1 is on the minus strand). VCF-style: chr14-95103912-C-T. GRCh37 (hg19) VCF-style: chr14-95570249-C-T.
Other names: c.3484G>A, p.Gly1162Ser (NM_001195573.1, NM_001271282.3, NM_001291628.2 and 1 more transcripts); short protein forms G1162S.
Identifiers: ClinVar variation 643845 (VCV000643845.16), dbSNP rs1287752405, ClinGen allele CA390875239.